The following is an entry in ClinVar:

ClinVar aggregate classification (germline): Uncertain significance (1 of 4 stars; one submission).

Submission:

Labcorp Genetics (formerly Invitae), Labcorp
Classification: Uncertain significance. Last evaluated: 2023-03-31. Review status: criteria provided, single submitter. Criteria: Invitae Variant Classification Sherloc (09022015). Collection method: clinical testing. Allele origin: germline.
Comment: This variant is not present in population databases (gnomAD no frequency). In summary, the available evidence is currently insufficient to determine the role of this variant in disease. Therefore, it has been classified as a Variant of Uncertain Significance. Advanced modeling of protein sequence and biophysical properties (such as structural, functional, and spatial information, amino acid conservation, physicochemical variation, residue mobility, and thermodynamic stability) has been performed at Invitae for this missense variant, however the output from this modeling did not meet the statistical confidence thresholds required to predict the impact of this variant on JAK2 protein function. This variant has not been reported in the literature in individuals affected with JAK2-related conditions. This sequence change replaces proline, which is neutral and non-polar, with leucine, which is neutral and non-polar, at codon 700 of the JAK2 protein (p.Pro700Leu).

NM_004972.4(JAK2):c.2099C>T (p.Pro700Leu)

Genes: JAK2 (Janus kinase 2; plus strand), INSL6 (insulin like 6; minus strand). Cytogenetic location: 9p24.1.
Variant type: single nucleotide variant.
Coding change: c.2099C>T on transcript NM_004972.4 (MANE Select); coding-DNA position 2099, C replaced by T.
Protein change: p.Pro700Leu; replaces proline 700 with leucine.
Molecular consequence: missense variant. On other transcripts: non-coding transcript variant (2).
Genome position (GRCh38, 1-based): chr9:5,078,412, C>T. VCF-style: chr9-5078412-C-T. GRCh37 (hg19) VCF-style: chr9-5078412-C-T.
Other names: c.2099C>T, p.Pro700Leu (NM_001322194.2, NM_001322195.2, NM_001322196.2); c.884C>T, p.Pro295Leu (NM_001322198.2, NM_001322199.2); c.1652C>T, p.Pro551Leu (NM_001322204.2); short protein forms P295L, P551L, P700L.
Identifiers: ClinVar variation 2804518 (VCV002804518.3), dbSNP rs2489067917, ClinGen allele CA372827273.
Genomic context (GRCh38, chr9:5,078,412, plus strand): 5'-TGCTTATCAGAGAAGAAGACAGGAAGACAGGAAATCCTCCTTTCATCAAACTTAGTGATC[C>T]TGGCATTAGTATTACAGTTTTGCCAAAGGACAGTAAGTTCTAGAAGGATTATATATAATG-3'
Protein context (NP_004963.1, residues 690-710): GNPPFIKLSD[Pro700Leu]GISITVLPKD